The following is an entry in ClinVar:

ClinVar aggregate classification (germline): Conflicting classifications of pathogenicity. Review status: criteria provided, conflicting classifications (1 of 4 stars). 5 submissions from 5 submitters: Likely pathogenic (2); Uncertain significance (1). 2 of the submissions do not count toward it. Last evaluated 2024-01-23.

Conditions:
Neonatal pseudo-hydrocephalic progeroid syndrome. Also called: Wiedemann-Rautenstrauch syndrome. Identifiers: Orphanet 3455, MedGen C0406586, MONDO:0009910, OMIM 264090.
Leukodystrophy. Identifiers: Orphanet 68356, MedGen C0023520, MONDO:0019046, HP:0002415.

Allele frequency attached by ClinVar (database versions not stated): gnomAD exomes below 0.00001.
gnomAD v4.1: 2 of 1,612,940 alleles (0.00012%); highest among the groups gnomAD compares: Admixed American, 0.0033%; no homozygotes.

Submissions (5):

Broad Center for Mendelian Genomics, Broad Institute of MIT and Harvard
Classification: Uncertain significance for Leukodystrophy. Last evaluated: 2024-01-23. Review status: criteria provided, single submitter. Criteria: ACMG Guidelines, 2015. Collection method: curation. Allele origin: germline. Inheritance: Autosomal recessive inheritance.
Comment: The c.*18C>T variant in POLR3A has been reported in 3 individuals with POLR3A-related disorders (PMID: 30414627, 30323018) and has been identified in 0.003% (1/34592) of Latino/Admixed American chromosomes by the Genome Aggregation Database (gnomAD; dbSNP ID: rs1248039821). Although this variant has been seen in the general population in a heterozygous state, its frequency is low enough to be consistent with a recessive carrier frequency. This variant has also been reported in ClinVar (Variation ID#: 549564) and has been interpreted as pathogenic or likely pathogenic by OMIM, University of Washington Center for Mendelian Genomics (University of Washington), the Cole/Wambach Lab (Washington University in St. Louis), and the Tartaglia Lab (Genetics and Rare Diseases Research Division, Bambino Gesu' Children's Hospital). Computational prediction tools and conservation analyses do not provide strong support for or against an impact to the protein. In summary, the clinical significance of the c.*18C>T variant is uncertain. ACMG/AMP Criteria applied: PM2_supporting, BP4 (Richards 2015).

Cole/Wambach Lab, Washington University in St. Louis
Classification: Likely pathogenic for Neonatal pseudo-hydrocephalic progeroid syndrome. Last evaluated: 2018-10-01. Review status: criteria provided, single submitter. Criteria: ACMG Guidelines, 2015. Collection method: research. Allele origin: inherited. Affected: yes. Observed: 1 variant allele.
Comment: in trans with c.3G>T

Tartaglia Lab, Genetics and Rare Diseases Research Division, Bambino Gesu' Children's Hospital
Classification: Likely pathogenic for Neonatal pseudo-hydrocephalic progeroid syndrome. Last evaluated: 2018-04-01. Review status: criteria provided, single submitter. Criteria: ACMG Guidelines, 2015. Collection method: research. Allele origin: germline. Affected: yes.

OMIM
Classification: Pathogenic for WIEDEMANN-RAUTENSTRAUCH SYNDROME. Last evaluated: 2024-04-02. Review status: no assertion criteria provided. Collection method: literature only. Allele origin: germline. Not counted in ClinVar's aggregate classification.

University of Washington Center for Mendelian Genomics, University of Washington
Classification: Likely pathogenic for Wiedemann-Rautenstrauch Syndrome. Review status: no assertion criteria provided. Collection method: research. Allele origin: inherited. Affected: yes. Not counted in ClinVar's aggregate classification.

Literature cited by the submitters: PubMed 30414627 (cited by 3 submitters); PubMed 30323018 (cited by OMIM); PubMed 19938095 (cited by OMIM); PubMed 16007586 (cited by OMIM).

NM_007055.4(POLR3A):c.*18C>T

Gene: POLR3A (RNA polymerase III subunit A; minus strand). Cytogenetic location: 10q22.3.
Variant type: single nucleotide variant.
Coding change: c.*18C>T on transcript NM_007055.4 (MANE Select); 18 bases downstream of the stop codon, C replaced by T.
Molecular consequence: 3 prime UTR variant.
Genome position (GRCh38, 1-based): chr10:77,977,460, G>A on the plus strand (C>T on the coding strand, the complement: POLR3A is on the minus strand). VCF-style: chr10-77977460-G-A. GRCh37 (hg19) VCF-style: chr10-79737218-G-A.
Identifiers: ClinVar variation 549564 (VCV000549564.5), dbSNP rs1248039821, ClinGen allele CA594425142.
Genomic context (GRCh38, chr10:77,977,460, plus strand): 5'-GGAGCACAAAACTCTTTATACATCAGCTGGAGACAGGACAAGGAGTCAAGGTCAGGCATG[G>A]TCCCCTCTTTCTTTGGACTATGTGACAAGGGGGATGTGGAATTCATTTGTGTCGAAGATC-3'